The following is an entry in ClinVar:

NM_000062.3(SERPING1):c.1279C>G (p.Leu427Val)

Gene: SERPING1 (serpin family G member 1; plus strand). Cytogenetic location: 11q12.1.
Variant type: single nucleotide variant.
Coding change: c.1279C>G on transcript NM_000062.3 (MANE Select); coding-DNA position 1279, C replaced by G.
Protein change: p.Leu427Val; replaces leucine 427 with valine.
Molecular consequence: missense variant.
Genome position (GRCh38, 1-based): chr11:57,614,357, C>G. VCF-style: chr11-57614357-C-G. GRCh37 (hg19) VCF-style: chr11-57381830-C-G.
Other names: c.1279C>G, p.Leu427Val (NM_001032295.2); short protein forms L427V.
Identifiers: ClinVar variation 3649830 (VCV003649830.2).

ClinVar aggregate classification (germline): Uncertain significance (1 of 4 stars; one submission).

gnomAD v4.1: 1 of 1,614,058 alleles (0.000062%); highest among the groups gnomAD compares: Middle Eastern, 0.016%; no homozygotes.

Submission:

Labcorp Genetics (formerly Invitae), Labcorp
Classification: Uncertain significance. Last evaluated: 2024-04-14. Review status: criteria provided, single submitter. Criteria: Invitae Variant Classification Sherloc (09022015). Collection method: clinical testing. Allele origin: germline.
Comment: This sequence change replaces leucine, which is neutral and non-polar, with valine, which is neutral and non-polar, at codon 427 of the SERPING1 protein (p.Leu427Val). This variant is not present in population databases (gnomAD no frequency). This variant has not been reported in the literature in individuals affected with SERPING1-related conditions. Advanced modeling of protein sequence and biophysical properties (such as structural, functional, and spatial information, amino acid conservation, physicochemical variation, residue mobility, and thermodynamic stability) has been performed at Invitae for this missense variant, however the output from this modeling did not meet the statistical confidence thresholds required to predict the impact of this variant on SERPING1 protein function. In summary, the available evidence is currently insufficient to determine the role of this variant in disease. Therefore, it has been classified as a Variant of Uncertain Significance.